The following is an entry in ClinVar:

NM_018249.6(CDK5RAP2):c.4682_4688del (p.Leu1561fs)

Gene: CDK5RAP2 (CDK5 regulatory subunit associated protein 2; minus strand). Cytogenetic location: 9q33.2.
Variant type: Deletion.
Coding change: c.4682_4688del on transcript NM_018249.6 (MANE Select); coding-DNA positions 4682 to 4688, 7 bases deleted (TGAAGGC; older notation c.4682_4688delTGAAGGC).
Protein change: p.Leu1561fs; shifts the reading frame from leucine 1561.
Molecular consequence: frameshift variant. On other transcripts: non-coding transcript variant (5).
Genome position (GRCh38, 1-based): chr9:120,408,385-120,408,391, GCCTTCA deleted on the plus strand (TGAAGGC on the coding strand, the reverse complement: CDK5RAP2 is on the minus strand); deleting any 7 consecutive bases within chr9:120,408,385-120,408,393 gives the same sequence; the c. name uses the placement nearest the transcript's 3' end. VCF-style (leftmost placement, unchanged base first): chr9-120408384-CGCCTTCA-C. GRCh37 (hg19) VCF-style: chr9-123170662-CGCCTTCA-C.
Other names: c.4682_4688del, p.Leu1561fs (NM_001011649.3); c.3992_3998del, p.Leu1331fs (NM_001272039.2); c.4583_4589del, p.Leu1528fs (NM_001410992.1); c.4586_4592del, p.Leu1529fs (NM_001410993.1); c.4679_4685del, p.Leu1560fs (NM_001410994.1); short protein forms L1331fs, L1528fs, L1529fs, L1560fs, L1561fs.
Identifiers: ClinVar variation 4852655 (VCV004852655.2).

ClinVar aggregate classification (germline): Likely pathogenic (1 of 4 stars; one submission).

Submission:

Dasa
Classification: Likely pathogenic. Last evaluated: 2024-08-20. Review status: criteria provided, single submitter. Criteria: DASA Assertion Criteria. Collection method: clinical testing. Allele origin: germline.
Comment: NM_018249.6(CDK5RAP2):c.4682_4688del (p.Leu1561Argfs*12) is a frameshift variant in CDK5RAP2 predicted to alter the reading frame and introduce a premature termination codon and is predicted to result in an absent or altered protein product. Loss of function is an established disease mechanism for CDK5RAP2-associated disorders. Also, this variant is absent from population databases. Based on the currently available evidence, this variant is classified as likely pathogenic.